The following is an entry in ClinVar:

NM_001366521.1(ATP2B1):c.797T>A (p.Val266Glu)

Gene: ATP2B1 (ATPase plasma membrane Ca2+ transporting 1; minus strand). Cytogenetic location: 12q21.33.
Variant type: single nucleotide variant.
Coding change: c.797T>A on transcript NM_001366521.1 (MANE Select); coding-DNA position 797, T replaced by A.
Protein change: p.Val266Glu; replaces valine 266 with glutamic acid.
Molecular consequence: missense variant. On other transcripts: non-coding transcript variant (3), intron variant (8).
Genome position (GRCh38, 1-based): chr12:89,630,636, A>T on the plus strand (T>A on the coding strand, the complement: ATP2B1 is on the minus strand). VCF-style: chr12-89630636-A-T. GRCh37 (hg19) VCF-style: chr12-90024413-A-T.
Other names: c.797T>A, p.Val266Glu (NM_001001323.2, NM_001366520.1, NM_001366522.1 and 14 more transcripts); c.599T>A, p.Val200Glu (NM_001366530.1, NM_001413053.1); c.542T>A, p.Val181Glu (NM_001413056.1); c.344T>A, p.Val115Glu (NM_001413057.1); c.407-4021T>A (NM_001413060.1, NM_001366531.1, NM_001413058.1 and 2 more transcripts); c.788-2920T>A (NM_001413051.1, NM_001413055.1, NM_001413052.1); short protein forms V115E, V200E, V181E, V266E.
Identifiers: ClinVar variation 3805788 (VCV003805788.2).
Genomic context (GRCh38, chr12:89,630,636, plus strand): 5'-ATTCCAGTTTGAGAATTTACACCTACAGCTGTAACTACCATTCTTCCAGAGCCTTCCATT[A>T]CATGAGTACCTATAACCAAAAACATAGTTTGTTTTTAAAAATACTGATAGATCTCCTTGC-3'
Protein context (NP_001353450.1, residues 256-276): KDPLLLSGTH[Val266Glu]MEGSGRMVVT

ClinVar aggregate classification (germline): Uncertain significance (1 of 4 stars; one submission).

Conditions:
Inborn genetic diseases. Identifiers: MedGen C0950123, MeSH D030342.

Submission:

Ambry Genetics
Classification: Uncertain significance for Inborn genetic diseases. Last evaluated: 2025-04-17. Review status: criteria provided, single submitter. Criteria: Ambry Variant Classification Scheme 2023. Collection method: clinical testing. Allele origin: germline.
Comment: The c.797T>A (p.V266E) alteration is located in exon 5 (coding exon 5) of the ATP2B1 gene. This alteration results from a T to A substitution at nucleotide position 797, causing the valine (V) at amino acid position 266 to be replaced by a glutamic acid (E). This variant was not reported in population-based cohorts in the Genome Aggregation Database (gnomAD). This amino acid position is highly conserved in available vertebrate species. This missense alteration is located in a region that has a low rate of benign missense variation (Lek, 2016; Firth, 2009). This alteration is predicted to be deleterious by in silico analysis. Based on insufficient or conflicting evidence, the clinical significance of this alteration remains unclear.